The following is an entry in ClinVar:

ClinVar aggregate classification (germline): Uncertain significance. Review status: criteria provided, multiple submitters, no conflicts (2 of 4 stars). 2 submissions from 2 submitters: Uncertain significance (2). Last evaluated 2025-11-08.

Conditions:
Inborn genetic diseases. Identifiers: MedGen C0950123, MeSH D030342.
Hereditary spastic paraplegia 39 (SPG39). Also called: SPASTIC PARAPLEGIA 39, AUTOSOMAL RECESSIVE; Spastic Paraplegia Type 39 (SPG39). Identifiers: Orphanet 139480, MedGen C2677586, MONDO:0012787, OMIM 612020.

Allele frequency attached by ClinVar (database versions not stated): gnomAD 0.00001; TOPMed 0.00001; ExAC 0.00002; gnomAD exomes 0.00002; ESP Exome Variant Server 0.00008.
gnomAD v4.1: 9 of 1,613,040 alleles (0.00056%); highest among the groups gnomAD compares: Admixed American, 0.0067%; no homozygotes.

Submissions (2):

Ambry Genetics
Classification: Uncertain significance for Inborn genetic diseases. Last evaluated: 2025-11-08. Review status: criteria provided, single submitter. Criteria: Ambry Variant Classification Scheme 2023. Collection method: clinical testing. Allele origin: germline.

Labcorp Genetics (formerly Invitae), Labcorp
Classification: Uncertain significance for Hereditary spastic paraplegia 39. Last evaluated: 2024-12-25. Review status: criteria provided, single submitter. Criteria: Invitae Variant Classification Sherloc (09022015). Collection method: clinical testing. Allele origin: germline.
Comment: This sequence change replaces arginine, which is basic and polar, with tryptophan, which is neutral and slightly polar, at codon 1024 of the PNPLA6 protein (p.Arg1024Trp). This variant is present in population databases (rs375118832, gnomAD 0.01%). This missense change has been observed in individual(s) with clinical features of PNPLA6-related conditions (internal data). In at least one individual the data is consistent with being in trans (on the opposite chromosome) from a pathogenic variant. ClinVar contains an entry for this variant (Variation ID: 1026260). Invitae Evidence Modeling of protein sequence and biophysical properties (such as structural, functional, and spatial information, amino acid conservation, physicochemical variation, residue mobility, and thermodynamic stability) indicates that this missense variant is not expected to disrupt PNPLA6 protein function with a negative predictive value of 80%. In summary, the available evidence is currently insufficient to determine the role of this variant in disease. Therefore, it has been classified as a Variant of Uncertain Significance.

NM_001166114.2(PNPLA6):c.3184C>T (p.Arg1062Trp)

Gene: PNPLA6 (patatin like domain 6, lysophospholipase; plus strand). Cytogenetic location: 19p13.2.
Variant type: single nucleotide variant.
Coding change: c.3184C>T on transcript NM_001166114.2 (MANE Select); coding-DNA position 3184, C replaced by T.
Protein change: p.Arg1062Trp; replaces arginine 1062 with tryptophan.
Molecular consequence: missense variant.
Genome position (GRCh38, 1-based): chr19:7,556,543, C>T. VCF-style: chr19-7556543-C-T. GRCh37 (hg19) VCF-style: chr19-7621429-C-T.
Other names: c.3214C>T, p.Arg1072Trp (NM_001166111.2); c.2989C>T, p.Arg997Trp (NM_001166112.2); c.3070C>T, p.Arg1024Trp (NM_001166113.1, NM_006702.5); c.3070C>T (NM_006702.4); short protein forms R1024W, R1062W, R1072W, R997W.
Identifiers: ClinVar variation 1026260 (VCV001026260.7), dbSNP rs375118832, ClinGen allele CA9140355.